The following is an entry in ClinVar:

ClinVar aggregate classification (germline): Pathogenic/Likely pathogenic. Review status: criteria provided, multiple submitters, no conflicts (2 of 4 stars). 2 submissions from 2 submitters: Pathogenic (1); Likely pathogenic (1). Last evaluated 2024-07-15.

Conditions:
Fanconi anemia (FA). Also called: Fanconi's anemia. Identifiers: Orphanet 84, MedGen C0015625, MeSH D005199, MONDO:0019391.

Submissions (2):

GeneDx
Classification: Likely pathogenic. Last evaluated: 2024-07-15. Review status: criteria provided, single submitter. Criteria: GeneDx Variant Classification Process June 2021. Collection method: clinical testing. Allele origin: germline. Affected: yes.
Comment: Nonsense variant predicted to result in protein truncation or nonsense mediated decay in a gene for which loss of function is a known mechanism of disease; Not observed at significant frequency in large population cohorts (gnomAD); Has not been previously published as pathogenic or benign to our knowledge

Labcorp Genetics (formerly Invitae), Labcorp
Classification: Pathogenic for Fanconi anemia. Last evaluated: 2022-01-16. Review status: criteria provided, single submitter. Criteria: Invitae Variant Classification Sherloc (09022015). Collection method: clinical testing. Allele origin: germline.
Comment: This sequence change creates a premature translational stop signal (p.Tyr413*) in the FANCM gene. It is expected to result in an absent or disrupted protein product. Loss-of-function variants in FANCM are known to be pathogenic (PMID: 29895858, 30075111). This variant is present in population databases (no rsID available, gnomAD 0.003%). This variant has not been reported in the literature in individuals affected with FANCM-related conditions. For these reasons, this variant has been classified as Pathogenic.

Literature cited by the submitters: PubMed 29895858 (cited by Labcorp Genetics (formerly Invitae), Labcorp); PubMed 30075111 (cited by Labcorp Genetics (formerly Invitae), Labcorp).

NM_020937.4(FANCM):c.1236_1237del (p.Leu412_Tyr413insTer)

Gene: FANCM (FA complementation group M; plus strand). Cytogenetic location: 14q21.2.
Variant type: Microsatellite.
Coding change: c.1236_1237del on transcript NM_020937.4 (MANE Select); coding-DNA positions 1236 to 1237, 2 bases deleted (CT; older notation c.1236_1237delCT).
Protein change: p.Leu412_Tyr413insTer.
Molecular consequence: frameshift variant.
Genome position (GRCh38, 1-based): chr14:45,154,749-45,154,750, CT deleted; deleting any 2 consecutive bases within chr14:45,154,747-45,154,750 gives the same sequence; the c. name uses the placement nearest the transcript's 3' end. VCF-style (leftmost placement, unchanged base first): chr14-45154746-ACT-A. GRCh37 (hg19) VCF-style: chr14-45623949-ACT-A.
Other names: c.1236_1237del (NM_020937.2); c.1158_1159del, p.Leu386_Tyr387insTer (NM_001308133.2); c.1236_1237del, p.Leu412_Tyr413insTer (NM_001308134.2).
Identifiers: ClinVar variation 1456640 (VCV001456640.7), dbSNP rs1467556424, ClinGen allele CA613825736.